The following is an entry in ClinVar:

ClinVar aggregate classification (germline): Uncertain significance (1 of 4 stars; one submission).

Submission:

GeneDx
Classification: Uncertain significance. Last evaluated: 2023-07-02. Review status: criteria provided, single submitter. Criteria: GeneDx Variant Classification Process June 2021. Collection method: clinical testing. Allele origin: germline. Affected: yes.
Comment: Not observed at significant frequency in large population cohorts (gnomAD); In silico analysis supports that this missense variant has a deleterious effect on protein structure/function; Has not been previously published as pathogenic or benign to our knowledge

NM_001287491.2(TET3):c.4475T>C (p.Leu1492Pro)

Gene: TET3 (tet methylcytosine dioxygenase 3; plus strand). Cytogenetic location: 2p13.1.
Variant type: single nucleotide variant.
Coding change: c.4475T>C on transcript NM_001287491.2 (MANE Select); coding-DNA position 4475, T replaced by C.
Protein change: p.Leu1492Pro; replaces leucine 1492 with proline.
Molecular consequence: missense variant.
Genome position (GRCh38, 1-based): chr2:74,101,263, T>C. VCF-style: chr2-74101263-T-C. GRCh37 (hg19) VCF-style: chr2-74328390-T-C.
Other names: c.4196T>C, p.Leu1399Pro (NM_001366022.1); short protein forms L1399P, L1492P.
Identifiers: ClinVar variation 3360522 (VCV003360522.1).